The following is an entry in ClinVar:

NM_004055.5(CAPN5):c.182C>T (p.Pro61Leu)

Gene: CAPN5 (calpain 5; plus strand). Cytogenetic location: 11q13.5.
Variant type: single nucleotide variant.
Coding change: c.182C>T on transcript NM_004055.5 (MANE Select); coding-DNA position 182, C replaced by T.
Protein change: p.Pro61Leu; replaces proline 61 with leucine.
Molecular consequence: missense variant.
Genome position (GRCh38, 1-based): chr11:77,093,698, C>T. VCF-style: chr11-77093698-C-T. GRCh37 (hg19) VCF-style: chr11-76804744-C-T.
Other names: short protein forms P61L.
Identifiers: ClinVar variation 1714972 (VCV001714972.5), dbSNP rs782029802, ClinGen allele CA6196191.

ClinVar aggregate classification (germline): Uncertain significance (1 of 4 stars; one submission).

Allele frequency attached by ClinVar (database versions not stated): gnomAD exomes below 0.00001; TOPMed below 0.00001.
gnomAD v4.1: 2 of 1,602,362 alleles (0.00012%); highest among the groups gnomAD compares: Middle Eastern, 0.017%; no homozygotes.

Submission:

Labcorp Genetics (formerly Invitae), Labcorp
Classification: Uncertain significance. Last evaluated: 2022-08-03. Review status: criteria provided, single submitter. Criteria: Invitae Variant Classification Sherloc (09022015). Collection method: clinical testing. Allele origin: germline.
Comment: In summary, the available evidence is currently insufficient to determine the role of this variant in disease. Therefore, it has been classified as a Variant of Uncertain Significance. Algorithms developed to predict the effect of missense changes on protein structure and function are either unavailable or do not agree on the potential impact of this missense change (SIFT: "Deleterious"; PolyPhen-2: "Benign"; Align-GVGD: "Class C0"). This variant has not been reported in the literature in individuals affected with CAPN5-related conditions. This variant is not present in population databases (gnomAD no frequency). This sequence change replaces proline, which is neutral and non-polar, with leucine, which is neutral and non-polar, at codon 61 of the CAPN5 protein (p.Pro61Leu).